The following is an entry in ClinVar:

NM_000306.4(POU1F1):c.428G>A (p.Arg143Gln)

Gene: POU1F1 (POU class 1 homeobox 1; minus strand). Cytogenetic location: 3p11.2.
Variant type: single nucleotide variant.
Coding change: c.428G>A on transcript NM_000306.4 (MANE Select); coding-DNA position 428, G replaced by A.
Protein change: p.Arg143Gln; replaces arginine 143 with glutamine.
Molecular consequence: missense variant.
Genome position (GRCh38, 1-based): chr3:87,264,299, C>T on the plus strand (G>A on the coding strand, the complement: POU1F1 is on the minus strand). VCF-style: chr3-87264299-C-T. GRCh37 (hg19) VCF-style: chr3-87313449-C-T.
Other names: c.506G>A, p.Arg169Gln (NM_001122757.3); short protein forms R143Q, R169Q.
Identifiers: ClinVar variation 13606 (VCV000013606.3), dbSNP rs104893759, ClinGen allele CA250609.

ClinVar aggregate classification (germline): Pathogenic. Review status: criteria provided, single submitter (1 of 4 stars). 2 submissions from 2 submitters: Pathogenic (1). 1 of the submissions does not count toward it. Last evaluated 2025-01-08.

Conditions:
Combined pituitary hormone deficiencies, genetic form. Also called: Pituitary hormone deficiency, combined. Identifiers: Orphanet 95494, MedGen C4273747, MONDO:0013099.
Pituitary hormone deficiency, combined, 1 (CPHD1). Also called: Pituitary hormone deficiency, combined or isolated, 1. Identifiers: MedGen C2751608, MONDO:0024464, OMIM 613038.

gnomAD v4.1: 1 of 1,609,802 alleles (0.000062%); highest among the groups gnomAD compares: East Asian, 0.0022%; no homozygotes.

Submissions (2):

Women's Health and Genetics/Laboratory Corporation of America, LabCorp
Classification: Pathogenic for Combined pituitary hormone deficiencies, genetic form. Last evaluated: 2025-01-08. Review status: criteria provided, single submitter. Criteria: LabCorp Variant Classification Summary - May 2015. Collection method: clinical testing. Allele origin: germline.
Comment: Variant summary: POU1F1 c.428G>A (p.Arg143Gln) results in a conservative amino acid change located in the POU-specific (POUs) domain of the encoded protein sequence. Four of five in-silico tools predict a damaging effect of the variant on protein function. The variant allele was found at a frequency of 4e-06 in 250860 control chromosomes. c.428G>A has been reported in the literature in multiple homozygous individuals affected with Combined Pituitary Hormone Deficiency (examples: Ohta_1992 and Aykut_2014). These data indicate that the variant is likely to be associated with disease. At least one publication reports experimental evidence that this variant reduced transactivation of the GH or prolactin reporter genes (Cohen_2006). The following publications have been ascertained in the context of this evaluation (PMID 24025721, 1472057, 16263824). ClinVar contains an entry for this variant (Variation ID: 13606). Based on the evidence outlined above, the variant was classified as pathogenic for autosomal recessive Combined Pituitary Hormone Deficiency.

OMIM
Classification: Pathogenic for PITUITARY HORMONE DEFICIENCY, COMBINED, 1. Last evaluated: 1992-12-15. Review status: no assertion criteria provided. Collection method: literature only. Allele origin: germline. Not counted in ClinVar's aggregate classification.

Literature cited by the submitters: PubMed 1472057 (cited by Women's Health and Genetics/Laboratory Corporation of America, LabCorp and OMIM); PubMed 24025721 (cited by Women's Health and Genetics/Laboratory Corporation of America, LabCorp); PubMed 16263824 (cited by Women's Health and Genetics/Laboratory Corporation of America, LabCorp).